The following is an entry in ClinVar:

ClinVar aggregate classification (germline): Pathogenic (1 of 4 stars; one submission).

Submission:

GeneDx
Classification: Pathogenic. Last evaluated: 2024-05-20. Review status: criteria provided, single submitter. Criteria: GeneDx Variant Classification Process June 2021. Collection method: clinical testing. Allele origin: germline. Affected: yes.
Comment: Frameshift variant predicted to result in protein truncation or nonsense mediated decay in a gene for which loss of function is a known mechanism of disease; Not observed at significant frequency in large population cohorts (gnomAD); Has not been previously published as pathogenic or benign to our knowledge; This variant is associated with the following publications: (PMID: 22335739)

NM_001267550.2(TTN):c.90393del (p.Asp30132fs)

Genes: TTN (titin; minus strand), TTN-AS1 (TTN antisense RNA 1; plus strand). Cytogenetic location: 2q31.2.
Variant type: Deletion.
Coding change: c.90393del on transcript NM_001267550.2 (MANE Select); coding-DNA position 90393, one base deleted (T; older notation c.90393delT).
Protein change: p.Asp30132fs; shifts the reading frame from aspartic acid 30132.
Molecular consequence: frameshift variant.
Genome position (GRCh38, 1-based): chr2:178,552,507, A deleted on the plus strand (T on the coding strand, the reverse complement: TTN is on the minus strand); the first of 2 consecutive A bases (chr2:178,552,507-178,552,508); deleting either gives the same sequence. VCF-style (leftmost placement, unchanged base first): chr2-178552506-CA-C. GRCh37 (hg19) VCF-style: chr2-179417233-CA-C.
Other names: c.85470del, p.Asp28491fs (NM_001256850.1); c.63198del, p.Asp21067fs (NM_003319.4); c.82689del, p.Asp27564fs (NM_133378.4); c.63573del, p.Asp21192fs (NM_133432.3); c.63774del, p.Asp21259fs (NM_133437.4); c.85470delT (NM_001256850.1); c.90393del (NM_001267550.1); short protein forms D30132fs, D21192fs, D21259fs, D21067fs, D27564fs, D28491fs.
Identifiers: ClinVar variation 280709 (VCV000280709.3), dbSNP rs886041865, ClinGen allele CA10602831.